The following is an entry in ClinVar:

ClinVar aggregate classification (germline): Pathogenic (1 of 4 stars; one submission).

Submission:

GeneDx
Classification: Pathogenic. Last evaluated: 2026-02-08. Review status: criteria provided, single submitter. Criteria: GeneDx Variant Classification Process June 2021. Collection method: clinical testing. Allele origin: germline.
Comment: Nonsense variant predicted to result in protein truncation or nonsense mediated decay in a gene for which loss of function is a known mechanism of disease; Not observed at significant frequency in large population cohorts (gnomAD); Has not been previously published as pathogenic or benign to our knowledge

NM_001145358.2(SIN3A):c.2627T>G (p.Leu876Ter)

Gene: SIN3A (SIN3 transcription regulator family member A; minus strand). Cytogenetic location: 15q24.2.
Variant type: single nucleotide variant.
Coding change: c.2627T>G on transcript NM_001145358.2 (MANE Select); coding-DNA position 2627, T replaced by G.
Protein change: p.Leu876Ter; replaces leucine 876 with a stop codon.
Molecular consequence: nonsense.
Genome position (GRCh38, 1-based): chr15:75,392,466, A>C on the plus strand (T>G on the coding strand, the complement: SIN3A is on the minus strand). VCF-style: chr15-75392466-A-C. GRCh37 (hg19) VCF-style: chr15-75684807-A-C.
Other names: c.2627T>G, p.Leu876Ter (NM_001145357.2, NM_001437462.1, NM_001437463.1 and 1 more transcripts); short protein forms L876*.
Identifiers: ClinVar variation 4891369 (VCV004891369.1).